The following is an entry in ClinVar:

NM_013275.6(ANKRD11):c.6904C>A (p.Pro2302Thr)

Gene: ANKRD11 (ankyrin repeat domain 11; minus strand). Cytogenetic location: 16q24.3.
Variant type: single nucleotide variant.
Coding change: c.6904C>A on transcript NM_013275.6 (MANE Select); coding-DNA position 6904, C replaced by A.
Protein change: p.Pro2302Thr; replaces proline 2302 with threonine.
Molecular consequence: missense variant.
Genome position (GRCh38, 1-based): chr16:89,279,638, G>T on the plus strand (C>A on the coding strand, the complement: ANKRD11 is on the minus strand). VCF-style: chr16-89279638-G-T. GRCh37 (hg19) VCF-style: chr16-89346046-G-T.
Other names: c.6904C>A, p.Pro2302Thr (NM_001256182.2, NM_001256183.2); short protein forms P2302T.
Identifiers: ClinVar variation 1982620 (VCV001982620.4), dbSNP rs1422916303, ClinGen allele CA397149740.

ClinVar aggregate classification (germline): Uncertain significance (1 of 4 stars; one submission).

Conditions:
KBG syndrome (KBGS). Also called: ANKRD11-Related KBG Syndrome. Identifiers: Orphanet 2332, MedGen C0220687, MONDO:0007846, OMIM 148050.

Allele frequency attached by ClinVar (database versions not stated): TOPMed below 0.00001; gnomAD 0.00001; gnomAD exomes 0.00001.
gnomAD v4.1: 20 of 1,438,296 alleles (0.0014%); highest among the groups gnomAD compares: Non-Finnish European, 0.0018%; no homozygotes.

Submission:

Labcorp Genetics (formerly Invitae), Labcorp
Classification: Uncertain significance for KBG syndrome. Last evaluated: 2024-05-22. Review status: criteria provided, single submitter. Criteria: Invitae Variant Classification Sherloc (09022015). Collection method: clinical testing. Allele origin: germline.
Comment: This sequence change replaces proline, which is neutral and non-polar, with threonine, which is neutral and polar, at codon 2302 of the ANKRD11 protein (p.Pro2302Thr). This variant is present in population databases (no rsID available, gnomAD 0.007%). This variant has not been reported in the literature in individuals affected with ANKRD11-related conditions. Advanced modeling of protein sequence and biophysical properties (such as structural, functional, and spatial information, amino acid conservation, physicochemical variation, residue mobility, and thermodynamic stability) performed at Invitae indicates that this missense variant is not expected to disrupt ANKRD11 protein function with a negative predictive value of 95%. In summary, the available evidence is currently insufficient to determine the role of this variant in disease. Therefore, it has been classified as a Variant of Uncertain Significance.